The following is an entry in ClinVar:

NM_033641.4(COL4A6):c.4333+22A>G

Gene: COL4A6 (collagen type IV alpha 6 chain; minus strand). Cytogenetic location: Xq22.3.
Variant type: single nucleotide variant.
Coding change: c.4333+22A>G on transcript NM_033641.4 (MANE Select); 22 bases into the intron after coding-DNA position 4333, A replaced by G.
Molecular consequence: intron variant.
Genome position (GRCh38, 1-based): chrX:108,161,597, T>C on the plus strand (A>G on the coding strand, the complement: COL4A6 is on the minus strand). VCF-style: chrX-108161597-T-C. GRCh37 (hg19) VCF-style: chrX-107404827-T-C.
Other names: c.4336+22A>G (NM_001847.4); c.4162+22A>G (NM_001287760.2); c.4261+22A>G (NM_001287759.2); c.4384+22A>G (NM_001287758.2).
Identifiers: ClinVar variation 682769 (VCV000682769.1), dbSNP rs777010333, ClinGen allele CA10487222.

ClinVar aggregate classification (germline): Likely benign (1 of 4 stars; one submission).

Allele frequency attached by ClinVar (database versions not stated): ExAC 0.00003; gnomAD exomes 0.00565.

Submission:

GeneDx
Classification: Likely benign. Last evaluated: 2018-06-13. Review status: criteria provided, single submitter. Criteria: GeneDx Variant Classification (06012015). Collection method: clinical testing. Allele origin: germline. Affected: yes.
Comment: This variant is considered likely benign or benign based on one or more of the following criteria: it is a conservative change, it occurs at a poorly conserved position in the protein, it is predicted to be benign by multiple in silico algorithms, and/or has population frequency not consistent with disease.